The following is an entry in ClinVar:

ClinVar aggregate classification (germline): Likely pathogenic. Review status: reviewed by expert panel (3 of 4 stars). 5 submissions from 5 submitters: Likely pathogenic (1). 4 of the submissions do not count toward it. Last evaluated 2025-12-16.

Conditions:
RYR1-related disorder. Also called: RYR1-related disorders; RYR1-related condition. Identifiers: MedGen CN239331.
Malignant hyperthermia, susceptibility to, 1 (MHS1). Also called: Anesthesia related hyperthermia; Malignant hyperpyrexia; Fulminating hyperpyrexia; Pharmacogenic myopathy; RYR1-Related Malignant Hyperthermia Susceptibility; Malignant hyperthermia suceptibility 1. Identifiers: Orphanet 423, MedGen C2930980, MONDO:0007783, OMIM 145600.

Submissions (5):

ClinGen Malignant Hyperthermia Susceptibility Variant Curation Expert Panel, ClinGen
Classification: Likely pathogenic for Malignant hyperthermia, susceptibility to, 1. Last evaluated: 2025-12-16. Review status: reviewed by expert panel. Criteria: RYR1-MHS Interpretation Guidelines V2. Collection method: curation. Allele origin: germline. Inheritance: Autosomal dominant inheritance.
Comment: This pathogenicity assessment is relevant only for malignant hyperthermia susceptibility (MHS) inherited in an autosomal dominant pattern. Variants in RYR1 can also cause other myopathies inherited in an autosomal dominant pattern or in an autosomal recessive pattern. Some of these disorders may predispose individuals to malignant hyperthermia. RYR1 variants may also contribute to a malignant hyperthermia reaction in combination with other genetic and non-genetic factors and the clinician needs to consider such factors in making management decisions. This sequence variant predicts a substitution of histidine with tyrosine at codon 2253 of the RYR1 protein, p.His2253Tyr. This variant was not present in a large population database (gnomAD) at the time this variant was interpreted. This variant has been reported in three individuals with a personal or family history of an MH episode, two of these individuals had a positive in vitro contracture test (IVCT) or caffeine halothane contracture test (CHCT) result (if the proband was unavailable for testing, a positive diagnostic test result in a mutation-positive relative was counted), PS4_Moderate (PMID:21965348, PMID:29028638, Laboratory case). No functional studies were identified for this variant. This variant resides in a region of RYR1 considered to be a hotspot for pathogenic variants that contribute to MHS, PM1 (PMID: 21118704). A REVEL score >0.85 (0.973) supports a pathogenic status for this variant, PP3_Moderate. This variant has been classified as Likely Pathogenic. Criteria implemented: PS4_Moderate, PM1, PP3_Moderate.

Labcorp Genetics (formerly Invitae), Labcorp
Classification: Pathogenic for RYR1-related disorder. Last evaluated: 2024-10-29. Review status: criteria provided, single submitter. Criteria: Invitae Variant Classification Sherloc (09022015). Collection method: clinical testing. Allele origin: germline. Not counted in ClinVar's aggregate classification.
Comment: This sequence change replaces histidine, which is basic and polar, with tyrosine, which is neutral and polar, at codon 2253 of the RYR1 protein (p.His2253Tyr). This variant is not present in population databases (gnomAD no frequency). This missense change has been observed in individual(s) with malignant hyperthermia (PMID: 21965348, 29028638; internal data). ClinVar contains an entry for this variant (Variation ID: 590575). Invitae Evidence Modeling of protein sequence and biophysical properties (such as structural, functional, and spatial information, amino acid conservation, physicochemical variation, residue mobility, and thermodynamic stability) indicates that this missense variant is expected to disrupt RYR1 protein function with a positive predictive value of 80%. For these reasons, this variant has been classified as Pathogenic.

All of Us Research Program, National Institutes of Health
Classification: Likely pathogenic for Malignant hyperthermia, susceptibility to, 1. Last evaluated: 2024-02-05. Review status: criteria provided, single submitter. Criteria: ACMG Guidelines, 2015. Collection method: clinical testing. Allele origin: germline. Inheritance: Autosomal dominant inheritance. Observed: 1 variant allele, 1 heterozygote. Not counted in ClinVar's aggregate classification.
Comment: This missense variant replaces histidine with tyrosine at codon 2253 of the RYR1 protein. Computational prediction tool indicates that this variant may have a deleterious impact on protein structure and function. This variant occurs in the central region (a.a. 2101 - 2458) of the RYR1 protein that is considered to be a hotspot for pathogenic variants that contribute to malignant hyperthermia susceptibility (PMID: 21118704). To our knowledge, functional studies have not been reported for this variant. This variant has been reported in at least three individuals affected with malignant hyperthermia susceptibility (PMID: 21965348, 29028638; ClinVar: SCV001208185.4), including one individual with a family history of a malignant hyperthermia event and a positive in vitro contracture test (PMID: 21965348) and an individual who experienced a malignant hyperthermia event with no known in vitro contracture test results (PMID: 29028638). This variant has not been identified in the general population by the Genome Aggregation Database (gnomAD). Based on the available evidence, this variant is classified as Likely Pathogenic.

This study involves interpretation of variants in research participants for the purpose of population health screening. Participant phenotype was not available at the time of variant classification. Additional details can be found in publication PMID: 35346344, PMCID: PMC8962531

Color Diagnostics, LLC DBA Color Health
Classification: Likely pathogenic for Malignant hyperthermia, susceptibility to, 1. Last evaluated: 2023-11-27. Review status: criteria provided, single submitter. Criteria: ACMG Guidelines, 2015. Collection method: clinical testing. Allele origin: germline. Not counted in ClinVar's aggregate classification.
Comment: This missense variant replaces histidine with tyrosine at codon 2253 of the RYR1 protein. Computational prediction tool indicates that this variant may have a deleterious impact on protein structure and function. This variant occurs in the central region (a.a. 2101 - 2458) of the RYR1 protein that is considered to be a hotspot for pathogenic variants that contribute to malignant hyperthermia susceptibility (PMID: 21118704). To our knowledge, functional studies have not been reported for this variant. This variant has been reported in at least three individuals affected with malignant hyperthermia susceptibility (PMID: 21965348, 29028638; ClinVar: SCV001208185.4), including one individual with a family history of a malignant hyperthermia event and a positive in vitro contracture test (PMID: 21965348) and an individual who experienced a malignant hyperthermia event with no known in vitro contracture test results (PMID: 29028638). This variant has not been identified in the general population by the Genome Aggregation Database (gnomAD). Based on the available evidence, this variant is classified as Likely Pathogenic.

PreventionGenetics, part of Exact Sciences
Classification: Uncertain significance. Last evaluated: 2016-12-29. Review status: criteria provided, single submitter. Criteria: ACMG Guidelines, 2015. Collection method: clinical testing. Allele origin: germline. Not counted in ClinVar's aggregate classification.

Literature cited by the submitters: PubMed 21965348 (cited by 3 submitters); PubMed 29028638 (cited by 3 submitters); PubMed 21118704 (cited by All of Us Research Program, National Institutes of Health and Color Diagnostics, LLC DBA Color Health).

NM_000540.3(RYR1):c.6757C>T (p.His2253Tyr)

Gene: RYR1 (ryanodine receptor 1; plus strand). Cytogenetic location: 19q13.2.
Variant type: single nucleotide variant.
Coding change: c.6757C>T on transcript NM_000540.3 (MANE Select); coding-DNA position 6757, C replaced by T.
Protein change: p.His2253Tyr; replaces histidine 2253 with tyrosine.
Molecular consequence: missense variant.
Genome position (GRCh38, 1-based): chr19:38,496,502, C>T. VCF-style: chr19-38496502-C-T. GRCh37 (hg19) VCF-style: chr19-38987142-C-T.
Other names: c.6757C>T (NM_000540.2); c.6757C>T, p.His2253Tyr (NM_001042723.2); short protein forms H2253Y.
Identifiers: ClinVar variation 590575 (VCV000590575.16), dbSNP rs917523269, ClinGen allele CA308104435.